The following is an entry in ClinVar:

ClinVar aggregate classification (germline): Uncertain significance (1 of 4 stars; one submission).

Allele frequency attached by ClinVar (database versions not stated): gnomAD 0.00001; gnomAD exomes 0.00001; ExAC 0.00002.
gnomAD v4.1: 14 of 1,614,066 alleles (0.00087%); highest among the groups gnomAD compares: East Asian, 0.0022%; no homozygotes.

Submission:

CeGaT Center for Human Genetics Tuebingen
Classification: Uncertain significance. Last evaluated: 2023-08-01. Review status: criteria provided, single submitter. Criteria: CeGaT Center For Human Genetics Tuebingen Variant Classification Criteria Version 2. Collection method: clinical testing. Allele origin: germline. Affected: yes. Observed: 1 variant allele.
Comment: VPS13C: PM2

NM_020821.3(VPS13C):c.5993G>A (p.Cys1998Tyr)

Gene: VPS13C (vacuolar protein sorting 13 homolog C; minus strand). Cytogenetic location: 15q22.2.
Variant type: single nucleotide variant.
Coding change: c.5993G>A on transcript NM_020821.3 (MANE Select); coding-DNA position 5993, G replaced by A.
Protein change: p.Cys1998Tyr; replaces cysteine 1998 with tyrosine.
Molecular consequence: missense variant.
Genome position (GRCh38, 1-based): chr15:61,931,135, C>T on the plus strand (G>A on the coding strand, the complement: VPS13C is on the minus strand). VCF-style: chr15-61931135-C-T. GRCh37 (hg19) VCF-style: chr15-62223334-C-T.
Other names: c.5993G>A, p.Cys1998Tyr (NM_001018088.3); c.5864G>A, p.Cys1955Tyr (NM_017684.5, NM_018080.4); short protein forms C1955Y, C1998Y.
Identifiers: ClinVar variation 2645402 (VCV002645402.24), dbSNP rs753128059, ClinGen allele CA7595680.